The following is an entry in ClinVar:

NM_080680.3(COL11A2):c.2333G>C (p.Gly778Ala)

Gene: COL11A2 (collagen type XI alpha 2 chain; minus strand). Cytogenetic location: 6p21.32.
Variant type: single nucleotide variant.
Coding change: c.2333G>C on transcript NM_080680.3 (MANE Select); coding-DNA position 2333, G replaced by C.
Protein change: p.Gly778Ala; replaces glycine 778 with alanine.
Molecular consequence: missense variant.
Genome position (GRCh38, 1-based): chr6:33,175,617, C>G on the plus strand (G>C on the coding strand, the complement: COL11A2 is on the minus strand). VCF-style: chr6-33175617-C-G. GRCh37 (hg19) VCF-style: chr6-33143394-C-G.
Other names: c.2012G>C, p.Gly671Ala (NM_080679.3); c.2075G>C, p.Gly692Ala (NM_080681.3); short protein forms G671A, G692A, G778A.
Identifiers: ClinVar variation 2501620 (VCV002501620.1), dbSNP rs2535039801, ClinGen allele CA363646847.
Genomic context (GRCh38, chr6:33,175,617, plus strand): 5'-AACCCTCATCCCATCACCTTCTCGCCCATGAGCCCTGGGGGCCCAGGGTCTCCAGTCGGT[C>G]CAGTGCGTCCCTTTGGCCCCTCAGGACCATCCTCTCCCCTGGAACCAGGGACTCCAACTT-3'
Protein context (NP_542411.2, residues 768-788): DGPEGPKGRT[Gly778Ala]PTGDPGPPGL

ClinVar aggregate classification (germline): Uncertain significance (1 of 4 stars; one submission).

Submission:

GeneDx
Classification: Uncertain significance. Last evaluated: 2022-11-04. Review status: criteria provided, single submitter. Criteria: GeneDx Variant Classification Process June 2021. Collection method: clinical testing. Allele origin: germline. Affected: yes.
Comment: Not observed at significant frequency in large population cohorts (gnomAD); In silico analysis supports that this missense variant has a deleterious effect on protein structure/function; Has not been previously published as pathogenic or benign to our knowledge